The following is an entry in ClinVar:

NM_018136.5(ASPM):c.3232A>T (p.Ser1078Cys)

Gene: ASPM (assembly factor for spindle microtubules; minus strand). Cytogenetic location: 1q31.3.
Variant type: single nucleotide variant.
Coding change: c.3232A>T on transcript NM_018136.5 (MANE Select); coding-DNA position 3232, A replaced by T.
Protein change: p.Ser1078Cys; replaces serine 1078 with cysteine.
Molecular consequence: missense variant.
Genome position (GRCh38, 1-based): chr1:197,124,268, T>A on the plus strand (A>T on the coding strand, the complement: ASPM is on the minus strand). VCF-style: chr1-197124268-T-A. GRCh37 (hg19) VCF-style: chr1-197093398-T-A.
Other names: c.3232A>T, p.Ser1078Cys (NM_001206846.2); short protein forms S1078C.
Identifiers: ClinVar variation 1806107 (VCV001806107.3), dbSNP rs771442227, ClinGen allele CA1310217.

ClinVar aggregate classification (germline): Uncertain significance. Review status: criteria provided, multiple submitters, no conflicts (2 of 4 stars). 2 submissions from 2 submitters: Uncertain significance (2). Last evaluated 2026-04-06.

Conditions:
Microcephaly 5, primary, autosomal recessive (MCPH5). Also called: ASPM Primary Microcephaly. Identifiers: Orphanet 2512, MedGen C1837501, MONDO:0012106, OMIM 608716.

Allele frequency attached by ClinVar (database versions not stated): gnomAD exomes 0.00001; ExAC 0.00003.
gnomAD v4.1: 20 of 1,607,850 alleles (0.0012%); highest among the groups gnomAD compares: South Asian, 0.022%; no homozygotes.

Submissions (2):

GeneDx
Classification: Uncertain significance. Last evaluated: 2026-04-06. Review status: criteria provided, single submitter. Criteria: GeneDx Variant Classification Process June 2021. Collection method: clinical testing. Allele origin: germline.
Comment: In silico analysis supports that this missense variant has a deleterious effect on protein structure/function; Has not been previously published as pathogenic or benign to our knowledge

Victorian Clinical Genetics Services, Murdoch Childrens Research Institute
Classification: Uncertain significance for Microcephaly 5, primary, autosomal recessive. Last evaluated: 2020-10-19. Review status: criteria provided, single submitter. Criteria: ACMG Guidelines, 2015. Collection method: clinical testing. Allele origin: germline. Inheritance: Autosomal recessive inheritance. Affected: yes.
Comment: Based on the classification scheme VCGS_Germline_v1.3.3, this variant is classified as VUS - 3B. Following criteria are met: 0102 - Loss of function is a known mechanism of disease in this gene and is associated with microcephaly 5, primary, autosomal recessive (MIM#608716). (I) 0106 - This gene is associated with autosomal recessive disease. (I) 0200 - Variant is predicted to result in a missense amino acid change from serine to cysteine. (I) 0251 - This variant is heterozygous. (I) 0304 - Variant is present in gnomAD v2 <0.01 for a recessive condition (5 heterozygotes, 0 homozygotes). (SP) 0502 - Missense variant with conflicting in silico predictions and uninformative conservation. (I) 0604 - Variant is not located in an established domain, motif, hotspot or informative constraint region. (I) 0705 - No comparable missense variants have previous evidence for pathogenicity. (I) 0807 - This variant has no previous evidence of pathogenicity. (I) 0905 - No published segregation evidence has been identified for this variant. (I) 1007 - No published functional evidence has been identified for this variant. (I) 1208 - Inheritance information for this variant is not currently available in this individual. (I) Legend: (SP) - Supporting pathogenic, (I) - Information, (SB) - Supporting benign